The following is an entry in ClinVar:

NM_000083.3(CLCN1):c.2789del (p.Pro930fs)

Gene: CLCN1 (chloride voltage-gated channel 1; plus strand). Cytogenetic location: 7q34.
Variant type: Deletion.
Coding change: c.2789del on transcript NM_000083.3 (MANE Select); coding-DNA position 2789, one base deleted (C; older notation c.2789delC).
Protein change: p.Pro930fs; shifts the reading frame from proline 930.
Molecular consequence: frameshift variant. On other transcripts: non-coding transcript variant (1).
Genome position (GRCh38, 1-based): chr7:143,351,787, C deleted; the last of 4 consecutive C bases (chr7:143,351,784-143,351,787); deleting any one gives the same sequence. VCF-style (leftmost placement, unchanged base first): chr7-143351783-AC-A. GRCh37 (hg19) VCF-style: chr7-143048876-AC-A.
Other names: c.2789del (NM_000083.2); c.2789delC (NM_000083.3); short protein forms P930fs.
Identifiers: ClinVar variation 871783 (VCV000871783.81), dbSNP rs749552056, ClinGen allele CA4537784.
Genomic context (GRCh38, chr7:143,351,783, plus strand): 5'-CTGCCTGAGGACAGGCCTGGGGCCACTGGAACAGGGGATGTGATTGCTGCCTCCCCAGAG[AC>A]CCCTGTGCCATCTCCTTCCCCAGAGCCCCCTCTCTCCCTGGCCCCAGGCAAGGTAGAGGG-3'

ClinVar aggregate classification (germline): Conflicting classifications of pathogenicity. Review status: criteria provided, conflicting classifications (1 of 4 stars). 11 submissions from 11 submitters: Pathogenic (5); Likely pathogenic (4); Uncertain significance (2). Last evaluated 2026-09-11.

Conditions:
CLCN1-related disorder. Also called: CLCN1-related condition.
Congenital myotonia, autosomal dominant form (THD). Also called: THOMSEN DISEASE; Myotonia congenita autosomal dominant. Identifiers: Orphanet 614, MedGen C2936781, MONDO:0008055, OMIM 160800.
Congenital myotonia, autosomal recessive form. Also called: BECKER DISEASE; Becker Generalized Myotonia; myotonia congenita, autosomal recessive. Identifiers: Orphanet 614, MedGen C0751360, MONDO:0009715, OMIM 255700.
Abnormality of the musculature. Identifiers: MedGen C4021745, HP:0003011.

Submissions (11):

GeneDx
Classification: Uncertain significance. Last evaluated: 2026-09-11. Review status: criteria provided, single submitter. Criteria: GeneDx Variant Classification Process June 2021. Collection method: clinical testing. Allele origin: germline.
Comment: Reported in the heterozygous state, and with a second CLCN1 variant (phase unknown) in individuals with features of myotonia congenita; however, further segregation details were not available (PMID: 38374194, 23739125); Frameshift variant predicted to result in abnormal protein length as the last 59 amino acid(s) are replaced with 17 different amino acid(s), and other similar variants have been reported in HGMD; This variant is associated with the following publications: (PMID: 27535533, 24077912, 40000157, 23739125, 38374194, Pagliarani2025[CaseReport])

PreventionGenetics, part of Exact Sciences
Classification: Pathogenic for CLCN1-related condition. Last evaluated: 2026-09-04. Review status: criteria provided, single submitter. Criteria: ACMG Guidelines, 2015. Collection method: clinical testing. Allele origin: germline.
Comment: The CLCN1 c.2789delC variant is predicted to result in a frameshift and premature protein termination (p.Pro930Leufs*18). This variant has been reported in the heterozygous state in an individual with myotonia congenita, in whom no second pathogenic variant was identified (reported as c.2786delC, p.T929Tfs*19, Brugnoni et al. 2013. PubMed ID: 23739125). It has also been reported in the compound heterozygous state in an individual with muscle hypertrophy (Table S2; Abolhassani et al. 2024. PubMed ID: 38374194). This variant is predicted to result in a frameshift that disrupts the last 59 amino acids; however, this variant resides in the final exon of this gene, and it is unclear if the resulting mRNA would undergo nonsense-mediated decay. This variant is reported in 0.0099% of alleles in individuals of Ashkenazi Jewish descent in gnomAD. In general, loss of function variants in CLCN1 tend to be associated more with autosomal recessive inheritance; however, it has also been noted that some pathogenic variants can be associated with both autosomal dominant and autosomal recessive inheritance. Frameshift variants in CLCN1 are expected to be pathogenic. This variant is interpreted as pathogenic.

Labcorp Genetics (formerly Invitae), Labcorp
Classification: Pathogenic for Congenital myotonia, autosomal recessive form; Congenital myotonia, autosomal dominant form. Last evaluated: 2026-01-18. Review status: criteria provided, single submitter. Criteria: Invitae Variant Classification Sherloc (09022015). Collection method: clinical testing. Allele origin: germline.
Comment: This sequence change creates a premature translational stop signal (p.Pro930Leufs*18) in the CLCN1 gene. While this is not anticipated to result in nonsense mediated decay, it is expected to disrupt the last 59 amino acid(s) of the CLCN1 protein. This variant is present in population databases (rs749552056, gnomAD 0.01%). This premature translational stop signal has been observed in individual(s) with myotonia congenita (PMID: 23739125). This variant is also known as p.T929TfsX19. ClinVar contains an entry for this variant (Variation ID: 871783). This variant disrupts a region of the CLCN1 protein in which other variant(s) (p.Gly945Argfs*39) have been determined to be pathogenic (PMID: 18337100; internal data). This suggests that this is a clinically significant region of the protein, and that variants that disrupt it are likely to be disease-causing. For these reasons, this variant has been classified as Pathogenic.

Women's Health and Genetics/Laboratory Corporation of America, LabCorp
Classification: Pathogenic for Congenital myotonia, autosomal recessive form. Last evaluated: 2026-01-12. Review status: criteria provided, single submitter. Criteria: LabCorp Variant Classification Summary - May 2015. Collection method: clinical testing. Allele origin: germline.
Comment: Variant summary: CLCN1 c.2789delC (p.Pro930LeufsX18) results in a premature termination codon, and although it is not predicted to undergo nonsense mediated decay, it is expected to cause a truncation of the encoded protein, which is a commonly known mechanism for disease. The variant allele was found at a frequency of 1.6e-05 in 250458 control chromosomes. c.2789delC has been observed as a biallelic genotype in individuals affected with Autosomal Recessive Congenital Myotonia and in the heterozygous state in a similarly affected individual (Brugnoni_2013, Alhammad_2024, Malfatti_2025). These data indicate that the variant is likely to be associated with disease. To our knowledge, no experimental evidence demonstrating an impact on protein function has been reported. The following publications have been ascertained in the context of this evaluation (PMID: 23739125, 39232665, 40000157). ClinVar contains an entry for this variant (Variation ID: 871783). Based on the evidence outlined above, the variant was classified as pathogenic.

Revvity Omics, Revvity
Classification: Likely pathogenic. Last evaluated: 2025-06-05. Review status: criteria provided, single submitter. Criteria: ACMG Guidelines, 2015. Collection method: clinical testing. Allele origin: germline.

First Genomix Gene Laboratory, Genetic Diagnostics Department
Classification: Pathogenic for Congenital myotonia, autosomal recessive form. Last evaluated: 2025-01-17. Review status: criteria provided, single submitter. Criteria: ACMG Guidelines, 2015. Collection method: clinical testing. Allele origin: germline. Inheritance: Autosomal recessive inheritance. Affected: no. Observed: 1 variant allele.

Genomic Medicine Center of Excellence, King Faisal Specialist Hospital and Research Centre
Classification: Uncertain significance for Congenital myotonia, autosomal dominant form. Last evaluated: 2024-03-25. Review status: criteria provided, single submitter. Criteria: ACMG Guidelines, 2015. Collection method: clinical testing. Allele origin: germline.

Fulgent Genetics
Classification: Likely pathogenic for Congenital myotonia, autosomal dominant form; Congenital myotonia, autosomal recessive form. Last evaluated: 2024-01-05. Review status: criteria provided, single submitter. Criteria: ACMG Guidelines, 2015. Collection method: clinical testing. Allele origin: germline.

3billion
Classification: Likely pathogenic for Congenital myotonia, autosomal recessive form. Last evaluated: 2023-09-26. Review status: criteria provided, single submitter. Criteria: ACMG Guidelines, 2015. Collection method: clinical testing. Allele origin: germline. Affected: yes.
Comment: The variant is observed at an extremely low frequency in the gnomAD v2.1.1 dataset (total allele frequency: 0.002%). Predicted Consequence/Location: Frameshift: predicted to result in a loss or disruption of normal protein function through protein truncation. The predicted truncated protein may be shortened by less than 10%. The variant has been reported at least twice as pathogenic without evidence for the classification (ClinVar ID: VCV000871783 /PMID: 23739125). Therefore, this variant is classified as Likely pathogenic according to the recommendation of ACMG/AMP guideline.

Kariminejad - Najmabadi Pathology & Genetics Center
Classification: Likely pathogenic for Abnormality of the musculature. Last evaluated: 2021-07-10. Review status: criteria provided, single submitter. Criteria: ACMG Guidelines, 2015. Collection method: clinical testing. Allele origin: germline. Affected: yes.

CeGaT Center for Human Genetics Tuebingen
Classification: Pathogenic. Last evaluated: 2019-04-01. Review status: criteria provided, single submitter. Criteria: CeGaT Center For Human Genetics Tuebingen Variant Classification Criteria Version 2. Collection method: clinical testing. Allele origin: germline. Affected: yes. Observed: 1 variant allele.

Literature cited by the submitters: PubMed 23739125 (cited by 3 submitters); PubMed 18337100 (cited by Labcorp Genetics (formerly Invitae), Labcorp); PubMed 39232665 (cited by Women's Health and Genetics/Laboratory Corporation of America, LabCorp); PubMed 40000157 (cited by Women's Health and Genetics/Laboratory Corporation of America, LabCorp).